The following is an entry in ClinVar:

ClinVar aggregate classification (germline): Uncertain significance. Review status: criteria provided, multiple submitters, no conflicts (2 of 4 stars). 3 submissions from 3 submitters: Uncertain significance (3). Last evaluated 2026-06-29.

Conditions:
RECQL4-related disorder. Also called: RECQL4-related condition; RECQL4-related disorders.
Baller-Gerold syndrome (BGS). Also called: CRANIOSYNOSTOSIS WITH RADIAL DEFECTS. Identifiers: Orphanet 1225, MedGen C0265308, MONDO:0009039, OMIM 218600.

Allele frequency attached by ClinVar (database versions not stated): gnomAD exomes 0.00005 and 0.00008; TOPMed 0.00005; gnomAD 0.00006 and 0.00007; ExAC 0.00007.
gnomAD v4.1: 119 of 1,610,502 alleles (0.0074%); highest among the groups gnomAD compares: South Asian, 0.026%; 1 homozygote.

Submissions (3):

GeneDx
Classification: Uncertain significance. Last evaluated: 2026-06-29. Review status: criteria provided, single submitter. Criteria: GeneDx Variant Classification Process June 2021. Collection method: clinical testing. Allele origin: germline.
Comment: In silico analysis is inconclusive as to whether the variant alters gene splicing. In the absence of RNA/functional studies, the actual effect of this sequence change is unknown.; Has not been previously published as pathogenic or benign to our knowledge

Labcorp Genetics (formerly Invitae), Labcorp
Classification: Uncertain significance for Baller-Gerold syndrome. Last evaluated: 2026-01-26. Review status: criteria provided, single submitter. Criteria: Invitae Variant Classification Sherloc (09022015). Collection method: clinical testing. Allele origin: germline.
Comment: This sequence change falls in intron 13 of the RECQL4 gene. It does not directly change the encoded amino acid sequence of the RECQL4 protein. It affects a nucleotide within the consensus splice site. This variant is present in population databases (rs770855894, gnomAD 0.02%). This variant has not been reported in the literature in individuals affected with RECQL4-related conditions. ClinVar contains an entry for this variant (Variation ID: 239716). Variants that disrupt the consensus splice site are a relatively common cause of aberrant splicing (PMID: 17576681, 9536098). Algorithms developed to predict the effect of sequence changes on RNA splicing suggest that this variant may disrupt the consensus splice site. In summary, the available evidence is currently insufficient to determine the role of this variant in disease. Therefore, it has been classified as a Variant of Uncertain Significance.

PreventionGenetics, part of Exact Sciences
Classification: Uncertain significance for RECQL4-related condition. Last evaluated: 2022-10-26. Review status: criteria provided, single submitter. Criteria: ACMG Guidelines, 2015. Collection method: clinical testing. Allele origin: germline.
Comment: The RECQL4 c.2200+5G>A variant is predicted to interfere with splicing. To our knowledge, this variant has not been reported in the literature. This variant is reported in 0.023% of alleles in individuals of South Asian descent in gnomAD and is interpreted as uncertain in ClinVar. At this time, the clinical significance of this variant is uncertain due to the absence of conclusive functional and genetic evidence.

Literature cited by the submitters: PubMed 17576681 (cited by Labcorp Genetics (formerly Invitae), Labcorp); PubMed 9536098 (cited by Labcorp Genetics (formerly Invitae), Labcorp).

NM_004260.4(RECQL4):c.2200+5G>A

Gene: RECQL4 (RecQ like helicase 4; minus strand). Cytogenetic location: 8q24.3.
Variant type: single nucleotide variant.
Coding change: c.2200+5G>A on transcript NM_004260.4 (MANE Select); 5 bases into the intron after coding-DNA position 2200, G replaced by A.
Molecular consequence: intron variant.
Genome position (GRCh38, 1-based): chr8:144,513,566, C>T on the plus strand (G>A on the coding strand, the complement: RECQL4 is on the minus strand). VCF-style: chr8-144513566-C-T. GRCh37 (hg19) VCF-style: chr8-145738950-C-T.
Identifiers: ClinVar variation 239716 (VCV000239716.9), dbSNP rs770855894, ClinGen allele CA4948422.